The following is an entry in ClinVar:

ClinVar aggregate classification (germline): Uncertain significance (1 of 4 stars; one submission).

Submission:

Women's Health and Genetics/Laboratory Corporation of America, LabCorp
Classification: Uncertain significance. Last evaluated: 2025-03-25. Review status: criteria provided, single submitter. Criteria: LabCorp Variant Classification Summary - May 2015. Collection method: clinical testing. Allele origin: germline.
Comment: Variant summary: CHD2 c.2585G>A (p.Cys862Tyr) results in a non-conservative amino acid change in the encoded protein sequence. Five of five in-silico tools predict a damaging effect of the variant on protein function. The variant was absent in 249034 control chromosomes. The available data on variant occurrences in the general population are insufficient to allow any conclusion about variant significance. To our knowledge, no occurrence of c.2585G>A in individuals affected with Developmental And Epileptic Encephalopathy 94 and no experimental evidence demonstrating its impact on protein function have been reported. No submitters have cited clinical-significance assessments for this variant to ClinVar. Based on the evidence outlined above, the variant was classified as uncertain significance.

NM_001271.4(CHD2):c.2585G>A (p.Cys862Tyr)

Gene: CHD2 (chromodomain helicase DNA binding protein 2; plus strand). Cytogenetic location: 15q26.1.
Variant type: single nucleotide variant.
Coding change: c.2585G>A on transcript NM_001271.4 (MANE Select); coding-DNA position 2585, G replaced by A.
Protein change: p.Cys862Tyr; replaces cysteine 862 with tyrosine.
Molecular consequence: missense variant.
Genome position (GRCh38, 1-based): chr15:92,978,241, G>A. VCF-style: chr15-92978241-G-A. GRCh37 (hg19) VCF-style: chr15-93521471-G-A.
Other names: short protein forms C862Y.
Identifiers: ClinVar variation 3895948 (VCV003895948.1).
Genomic context (GRCh38, chr15:92,978,241, plus strand): 5'-AAACTGTTTCTGAGAAGGCCACTGCATAAAGTAGTATATTGCATTGTGTACAGGACTTCT[G>A]TTTCCTGCTCTCGACAAGGGCTGGTGGCCTGGGAATCAATTTGGCTTCAGCGGACACAGT-3'
Protein context (NP_001262.3, residues 852-872): HFNADGSEDF[Cys862Tyr]FLLSTRAGGL